The following is an entry in ClinVar:

ClinVar aggregate classification (germline): Pathogenic (1 of 4 stars; one submission).

Submission:

GeneDx
Classification: Pathogenic. Last evaluated: 2025-10-07. Review status: criteria provided, single submitter. Criteria: GeneDx Variant Classification Process June 2021. Collection method: clinical testing. Allele origin: germline. Affected: yes.
Comment: Nonsense variant predicted to result in protein truncation or nonsense mediated decay in a gene for which loss of function is a known mechanism of disease; Not observed at significant frequency in large population cohorts (gnomAD); This variant is associated with the following publications: (PMID: 35169261)

NM_001353921.2(ARHGEF9):c.215G>A (p.Trp72Ter)

Gene: ARHGEF9 (Cdc42 guanine nucleotide exchange factor 9; minus strand). Cytogenetic location: Xq11.1.
Variant type: single nucleotide variant.
Coding change: c.215G>A on transcript NM_001353921.2 (MANE Select); coding-DNA position 215, G replaced by A.
Protein change: p.Trp72Ter; replaces tryptophan 72 with a stop codon.
Molecular consequence: nonsense. On other transcripts: 5 prime UTR variant (3).
Genome position (GRCh38, 1-based): chrX:63,706,445, C>T on the plus strand (G>A on the coding strand, the complement: ARHGEF9 is on the minus strand). VCF-style: chrX-63706445-C-T. GRCh37 (hg19) VCF-style: chrX-62926325-C-T.
Other names: c.35G>A, p.Trp12Ter (NM_001173479.2); c.-113G>A (NM_001173480.2, NM_001369042.1); c.131G>A, p.Trp44Ter (NM_001330495.2, NM_001353927.2, NM_001369033.1 and 8 more transcripts); c.215G>A, p.Trp72Ter (NM_001353922.2); c.233G>A, p.Trp78Ter (NM_001353923.1); c.14G>A, p.Trp5Ter (NM_001353924.2, NM_001353926.2, NM_001369039.1 and 1 more transcripts); c.194G>A, p.Trp65Ter (NM_001353928.2, NM_001369030.1, NM_001369031.1 and 2 more transcripts); c.-489G>A (NM_001369045.1); short protein forms W44*, W5*, W12*, W65*, W72*, W78*.
Identifiers: ClinVar variation 817527 (VCV000817527.2), dbSNP rs1602491118, ClinGen allele CA413402554.